The following is an entry in ClinVar:

ClinVar aggregate classification (germline): Uncertain significance. Review status: criteria provided, single submitter (1 of 4 stars). 2 submissions from 2 submitters: Uncertain significance (1). 1 of the submissions does not count toward it. Last evaluated 2021-07-09.

Conditions:
NCOA1-related disorder. Also called: NCOA1-related condition.

Allele frequency attached by ClinVar (database versions not stated): gnomAD 0.00002; ExAC 0.00009.
gnomAD v4.1: 23 of 1,613,802 alleles (0.0014%); highest among the groups gnomAD compares: Admixed American, 0.013%; no homozygotes.

Submissions (2):

Ambry Genetics
Classification: Uncertain significance. Last evaluated: 2021-07-09. Review status: criteria provided, single submitter. Criteria: Ambry Variant Classification Scheme 2023. Collection method: clinical testing. Allele origin: germline.

PreventionGenetics, part of Exact Sciences
Classification: Uncertain significance for NCOA1-related condition. Last evaluated: 2024-03-12. Review status: no assertion criteria provided. Collection method: clinical testing. Allele origin: germline. Not counted in ClinVar's aggregate classification.
Comment: The NCOA1 c.2249G>A variant is predicted to result in the amino acid substitution p.Arg750His. To our knowledge, this variant has not been reported in the literature. This variant is reported in 0.023% of alleles in individuals of Latino descent in gnomAD. At this time, the clinical significance of this variant is uncertain due to the absence of conclusive functional and genetic evidence.

NM_003743.5(NCOA1):c.2249G>A (p.Arg750His)

Gene: NCOA1 (nuclear receptor coactivator 1; plus strand). Cytogenetic location: 2p23.3.
Variant type: single nucleotide variant.
Coding change: c.2249G>A on transcript NM_003743.5 (MANE Select); coding-DNA position 2249, G replaced by A.
Protein change: p.Arg750His; replaces arginine 750 with histidine.
Molecular consequence: missense variant.
Genome position (GRCh38, 1-based): chr2:24,707,719, G>A. VCF-style: chr2-24707719-G-A. GRCh37 (hg19) VCF-style: chr2-24930588-G-A.
Other names: c.2249G>A, p.Arg750His (NM_001362950.1, NM_001362952.1, NM_001362954.1 and 3 more transcripts); short protein forms R750H.
Identifiers: ClinVar variation 2206411 (VCV002206411.4), dbSNP rs755651796, ClinGen allele CA1552368.
Genomic context (GRCh38, chr2:24,707,719, plus strand): 5'-GTATAAAACTAGAACTGGATGCTTCAAAGAAAAAAGAATCAAAAGACCATCAGCTCCTAC[G>A]CTATCTTTTAGATAAAGATGAGAAAGATTTAAGATCAACTCCAAACCTGAGCCTGGATGA-3'
Protein context (NP_003734.3, residues 740-760): KKESKDHQLL[Arg750His]YLLDKDEKDL